The following is an entry in ClinVar:

ClinVar aggregate classification (germline): Likely benign (1 of 4 stars; one submission).

Allele frequency attached by ClinVar (database versions not stated): gnomAD 0.00346 and 0.00375; 1000 Genomes Project 0.00439; 1000 Genomes Project 30x 0.00453.
gnomAD v4.1: 521 of 151,940 alleles (0.34%); highest among the groups gnomAD compares: African/African-American, 1.2%; 3 homozygotes.

Submission:

GeneDx
Classification: Likely benign. Last evaluated: 2022-01-23. Review status: criteria provided, single submitter. Criteria: GeneDx Variant Classification Process June 2021. Collection method: clinical testing. Allele origin: germline. Affected: yes.
Comment: See Variant Classification Assertion Criteria.

NM_022173.4(TIA1):c.889-174T>C

Gene: TIA1 (TIA1 cytotoxic granule associated RNA binding protein; minus strand). Cytogenetic location: 2p13.3.
Variant type: single nucleotide variant.
Coding change: c.889-174T>C on transcript NM_022173.4 (MANE Select); 174 bases into the intron before coding-DNA position 889, T replaced by C.
Molecular consequence: intron variant.
Genome position (GRCh38, 1-based): chr2:70,214,668, A>G on the plus strand (T>C on the coding strand, the complement: TIA1 is on the minus strand). VCF-style: chr2-70214668-A-G. GRCh37 (hg19) VCF-style: chr2-70441800-A-G.
Other names: c.745-174T>C (NM_001351513.1); c.778-174T>C (NM_001351511.1); c.751-174T>C (NM_001351512.1); c.661-174T>C (NM_001351514.2); c.469-174T>C (NM_001351524.2, NM_001351525.2); c.469-177T>C (NM_001351517.2); c.856-177T>C (NM_001351510.2); c.856-174T>C (NM_022037.4); and 3 more.
Identifiers: ClinVar variation 1698302 (VCV001698302.2), dbSNP rs571764530, ClinGen allele CA49624954.